The following is an entry in ClinVar:

NC_000011.9:g.(?_124506847)_(124543604_?)dup

Gene: SIAE (sialic acid acetylesterase; minus strand). Cytogenetic location: 11q24.2.
Variant type: Duplication.
Identifiers: ClinVar variation 1412855 (VCV001412855.1).

ClinVar aggregate classification (germline): Uncertain significance (1 of 4 stars; one submission).

Submission:

Labcorp Genetics (formerly Invitae), Labcorp
Classification: Uncertain significance. Last evaluated: 2021-11-22. Review status: criteria provided, single submitter. Criteria: Invitae Variant Classification Sherloc (09022015). Collection method: clinical testing. Allele origin: germline.
Comment: A copy number gain of the genomic region encompassing the full coding sequence of the SIAE gene has been identified. The boundaries of this event are unknown as they extend beyond the assayed region for this gene and therefore may encompass additional genes. As the precise location of this event is unknown, it may be in tandem or it may be located elsewhere in the genome. This variant has not been reported in the literature in individuals affected with SIAE-related conditions. In summary, the available evidence is currently insufficient to determine the role of this variant in disease. Therefore, it has been classified as a Variant of Uncertain Significance.